The following is an entry in ClinVar:

NM_020759.3(STARD9):c.10551C>T (p.Gly3517=)

Gene: STARD9 (StAR related lipid transfer domain containing 9; plus strand). Cytogenetic location: 15q15.2.
Variant type: single nucleotide variant.
Coding change: c.10551C>T on transcript NM_020759.3 (MANE Select); coding-DNA position 10551, C replaced by T.
Protein change: p.Gly3517=; no amino-acid change (glycine 3517 retained).
Molecular consequence: synonymous variant.
Genome position (GRCh38, 1-based): chr15:42,692,129, C>T. VCF-style: chr15-42692129-C-T. GRCh37 (hg19) VCF-style: chr15-42984327-C-T.
Identifiers: ClinVar variation 3053736 (VCV003053736.2), dbSNP rs1054274383, ClinGen allele CA269902980.
Genomic context (GRCh38, chr15:42,692,129, plus strand): 5'-CCAGAAGCCCCAGGGGCTGACACTATCAAATGTGGCCCGGTGCTCCAGCATGGACAATGG[C>T]CTAGAAGACCAGAACTCCCCTTTCCACTCCCACCTCAGCACTTACGCCAATATTTGTGAT-3'
Protein context (NP_065810.2, residues 3507-3527): NVARCSSMDN[Gly3517=]LEDQNSPFHS

ClinVar aggregate classification (germline): Likely benign (0 of 4 stars; one submission).

Conditions:
STARD9-related disorder. Also called: STARD9-related condition.

Allele frequency attached by ClinVar (database versions not stated): gnomAD 0.00005; TOPMed 0.00007.
gnomAD v4.1: 115 of 1,537,030 alleles (0.0075%); highest among the groups gnomAD compares: Middle Eastern, 0.017%; 1 homozygote.

Submission:

PreventionGenetics, part of Exact Sciences
Classification: Likely benign for STARD9-related condition. Last evaluated: 2019-08-30. Review status: no assertion criteria provided. Collection method: clinical testing. Allele origin: germline.
Comment: This variant is classified as likely benign based on ACMG/AMP sequence variant interpretation guidelines (Richards et al. 2015 PMID: 25741868, with internal and published modifications).